The following is an entry in ClinVar:

ClinVar aggregate classification (germline): Likely pathogenic (1 of 4 stars; one submission).

Conditions:
Sotos syndrome (SOTOS). Also called: CHROMOSOME 5q35 DELETION SYNDROME; CEREBRAL GIGANTISM; Sotos' syndrome; Distinctive facial appearance, overgrowth in childhood, and learning disabilities or delayed development; SOTOS SYNDROME 1. Identifiers: Orphanet 821, MedGen C0175695, MONDO:0019349, OMIM 117550.

Submission:

Laboratorio de Genetica e Diagnostico Molecular, Hospital Israelita Albert Einstein
Classification: Likely pathogenic for Sotos syndrome. Last evaluated: 2025-12-17. Review status: criteria provided, single submitter. Criteria: ACMG Guidelines, 2015. Collection method: clinical testing. Allele origin: germline. Affected: yes.
Comment: ACMG classification criteria: PVS1 very strong, PM2 supporting

NM_022455.5(NSD1):c.1011G>A (p.Trp337Ter)

Gene: NSD1 (nuclear receptor binding SET domain protein 1; plus strand). Cytogenetic location: 5q35.3.
Variant type: single nucleotide variant.
Coding change: c.1011G>A on transcript NM_022455.5 (MANE Select); coding-DNA position 1011, G replaced by A.
Protein change: p.Trp337Ter; replaces tryptophan 337 with a stop codon.
Molecular consequence: nonsense.
Genome position (GRCh38, 1-based): chr5:177,191,967, G>A. VCF-style: chr5-177191967-G-A. GRCh37 (hg19) VCF-style: chr5-176618968-G-A.
Other names: c.138G>A, p.Trp46Ter (NM_001365684.2, NM_001409305.1, NM_001409306.1 and 4 more transcripts); c.1011G>A, p.Trp337Ter (NM_001409301.1, NM_001409302.1, NM_001409303.1); c.591G>A, p.Trp197Ter (NM_001409304.1); short protein forms W197*, W337*, W46*.
Identifiers: ClinVar variation 4846876 (VCV004846876.1).